The following is an entry in ClinVar:

ClinVar aggregate classification (germline): Uncertain significance (1 of 4 stars; one submission).

Submission:

Ambry Genetics
Classification: Uncertain significance. Last evaluated: 2025-05-15. Review status: criteria provided, single submitter. Criteria: Ambry Variant Classification Scheme 2023. Collection method: clinical testing. Allele origin: germline.
Comment: The p.V176L variant (also known as c.526G>T), located in coding exon 4 of the RNF43 gene, results from a G to T substitution at nucleotide position 526. The valine at codon 176 is replaced by leucine, an amino acid with highly similar properties. This amino acid position is conserved. In addition, this alteration is predicted to be tolerated by in silico analysis. Based on the available evidence, the clinical significance of this variant remains unclear.

NM_017763.6(RNF43):c.526G>T (p.Val176Leu)

Gene: RNF43 (ring finger protein 43; minus strand). Cytogenetic location: 17q22.
Variant type: single nucleotide variant.
Coding change: c.526G>T on transcript NM_017763.6 (MANE Select); coding-DNA position 526, G replaced by T.
Protein change: p.Val176Leu; replaces valine 176 with leucine.
Molecular consequence: missense variant.
Genome position (GRCh38, 1-based): chr17:58,363,331, C>A on the plus strand (G>T on the coding strand, the complement: RNF43 is on the minus strand). VCF-style: chr17-58363331-C-A. GRCh37 (hg19) VCF-style: chr17-56440692-C-A.
Other names: c.526G>T, p.Val176Leu (NM_001305544.3); c.145G>T, p.Val49Leu (NM_001305545.2); short protein forms V176L, V49L.
Identifiers: ClinVar variation 3946887 (VCV003946887.1).